The following is an entry in ClinVar:

ClinVar aggregate classification (germline): Uncertain significance. Review status: criteria provided, multiple submitters, no conflicts (2 of 4 stars). 3 submissions from 3 submitters: Uncertain significance (3). Last evaluated 2025-01-21.

Conditions:
Congenital myopathy 22A, classic (CMYO22A). Identifiers: MedGen C5830453, MONDO:0957247, OMIM 620351.
Hypokalemic periodic paralysis, type 2 (HOKPP2). Identifiers: Orphanet 681, MedGen C2750061, MONDO:0013234, OMIM 613345.
Hyperkalemic periodic paralysis. Also called: Gamstorp disease; Familial hyperkalemic periodic paralysis. Identifiers: Orphanet 682, MedGen C0238357, MONDO:0008224, OMIM 170500, HP:0007215.
Congenital myopathy 22B, severe fetal (CMYO22B). Identifiers: MedGen C5830501, MONDO:0957265, OMIM 620369.
Congenital myasthenic syndrome 16. Identifiers: Orphanet 590, MedGen C3280112, MONDO:0013620, OMIM 614198.
Potassium-aggravated myotonia. Also called: MYOTONIA CONGENITA, ACETAZOLAMIDE-RESPONSIVE; MYOTONIA CONGENITA, ATYPICAL; SODIUM CHANNEL MUSCLE DISEASE; Myotonia congenita, atypical, acetazolamide-responsive. Identifiers: Orphanet 612, Orphanet 99734, Orphanet 99735, Orphanet 99736, MedGen C2931826, MONDO:0018959, OMIM 608390.
Paramyotonia congenita of Von Eulenburg. Also called: PARALYSIS PERIODICA PARAMYOTONICA; Eulenburg disease; Myotonia congenita intermittens; Von Eulenburg paramyotonia congenita; Paramyotonia Congenita. Identifiers: Orphanet 684, MedGen C0221055, MONDO:0008195, OMIM 168300. Disease mechanism: loss of function.
Inborn genetic diseases. Identifiers: MedGen C0950123, MeSH D030342.

gnomAD v4.1: 6 of 1,613,752 alleles (0.00037%); highest among the groups gnomAD compares: African/African-American, 0.0027%; no homozygotes.

Submissions (3):

Ambry Genetics
Classification: Uncertain significance for Inborn genetic diseases. Last evaluated: 2025-01-21. Review status: criteria provided, single submitter. Criteria: Ambry Variant Classification Scheme 2023. Collection method: clinical testing. Allele origin: germline.

Fulgent Genetics
Classification: Uncertain significance for Paramyotonia congenita of Von Eulenburg; Hyperkalemic periodic paralysis; Potassium-aggravated myotonia; Hypokalemic periodic paralysis, type 2; Congenital myasthenic syndrome 16; Congenital myopathy 22A, classic; Congenital myopathy 22B, severe fetal. Last evaluated: 2024-03-27. Review status: criteria provided, single submitter. Criteria: ACMG Guidelines, 2015. Collection method: clinical testing. Allele origin: germline.

Labcorp Genetics (formerly Invitae), Labcorp
Classification: Uncertain significance for Hyperkalemic periodic paralysis. Last evaluated: 2024-03-01. Review status: criteria provided, single submitter. Criteria: Invitae Variant Classification Sherloc (09022015). Collection method: clinical testing. Allele origin: germline.
Comment: This sequence change replaces glutamic acid, which is acidic and polar, with lysine, which is basic and polar, at codon 1716 of the SCN4A protein (p.Glu1716Lys). This variant is present in population databases (rs760831848, gnomAD 0.008%). This variant has not been reported in the literature in individuals affected with SCN4A-related conditions. Advanced modeling of protein sequence and biophysical properties (such as structural, functional, and spatial information, amino acid conservation, physicochemical variation, residue mobility, and thermodynamic stability) performed at Invitae indicates that this missense variant is not expected to disrupt SCN4A protein function with a negative predictive value of 80%. In summary, the available evidence is currently insufficient to determine the role of this variant in disease. Therefore, it has been classified as a Variant of Uncertain Significance.

NM_000334.4(SCN4A):c.5146G>A (p.Glu1716Lys)

Genes: GH-LCR (growth hormone locus control region; plus strand), SCN4A (sodium voltage-gated channel alpha subunit 4; minus strand). Cytogenetic location: 17q23.3.
Variant type: single nucleotide variant.
Coding change: c.5146G>A on transcript NM_000334.4 (MANE Select); coding-DNA position 5146, G replaced by A.
Protein change: p.Glu1716Lys; replaces glutamic acid 1716 with lysine.
Molecular consequence: missense variant.
Genome position (GRCh38, 1-based): chr17:63,941,136, C>T on the plus strand (G>A on the coding strand, the complement: SCN4A is on the minus strand). VCF-style: chr17-63941136-C-T. GRCh37 (hg19) VCF-style: chr17-62018496-C-T.
Other names: short protein forms E1716K.
Identifiers: ClinVar variation 3582634 (VCV003582634.4).